The following is an entry in ClinVar:

NM_201384.3(PLEC):c.9726C>T (p.Pro3242=)

Gene: PLEC (plectin; minus strand). Cytogenetic location: 8q24.3.
Variant type: single nucleotide variant.
Coding change: c.9726C>T on transcript NM_201384.3 (MANE Select); coding-DNA position 9726, C replaced by T.
Protein change: p.Pro3242=; no amino-acid change (proline 3242 retained).
Molecular consequence: synonymous variant.
Genome position (GRCh38, 1-based): chr8:143,920,095, G>A on the plus strand (C>T on the coding strand, the complement: PLEC is on the minus strand). VCF-style: chr8-143920095-G-A. GRCh37 (hg19) VCF-style: chr8-144994263-G-A.
Other names: c.9807C>T, p.Pro3269= (NM_000445.5); c.9684C>T, p.Pro3228= (NM_201378.4); c.9660C>T, p.Pro3220= (NM_201379.3); c.10137C>T, p.Pro3379= (NM_201380.4); c.9630C>T, p.Pro3210= (NM_201381.3); c.9726C>T, p.Pro3242= (NM_201382.4); c.9738C>T, p.Pro3246= (NM_201383.3).
Identifiers: ClinVar variation 790801 (VCV000790801.10), dbSNP rs536395359, ClinGen allele CA4924873.

ClinVar aggregate classification (germline): Likely benign. Review status: criteria provided, multiple submitters, no conflicts (2 of 4 stars). 3 submissions from 3 submitters: Likely benign (3). Last evaluated 2026-08-26.

Conditions:
PLEC-related disorder. Also called: PLEC-related condition; PLEC-related disorders.
Epidermolysis bullosa simplex 5C, with pyloric atresia (EBS5C). Also called: PLEC-Related Epidermolysis Bullosa with Pyloric Atresia; Epidermolysis bullosa simplex with pyloric atresia; PLEC1-Related Epidermolysis Bullosa with Pyloric Atresia. Identifiers: Orphanet 158684, MedGen C2677349, MONDO:0012807, OMIM 612138.
Epidermolysis bullosa simplex 5B, with muscular dystrophy (EBS5B). Also called: EPIDERMOLYSIS BULLOSA SIMPLEX AND LIMB-GIRDLE MUSCULAR DYSTROPHY; Epidermolysis bullosa simplex with muscular dystrophy. Identifiers: Orphanet 257, MedGen C2931072, MONDO:0009181, OMIM 226670.
Epidermolysis bullosa simplex with nail dystrophy (EBS5D). Identifiers: MedGen C4225309, MONDO:0014661, OMIM 616487.
Epidermolysis bullosa simplex, Ogna type (EBS5A). Also called: Pidermolysis bullosa simplex 5A, Ogna type; EPIDERMOLYSIS BULLOSA SIMPLEX 5A, OGNA TYPE. Identifiers: Orphanet 79401, MedGen C0432317, MONDO:0007555, OMIM 131950.
Autosomal recessive limb-girdle muscular dystrophy type 2Q (LGMDR17). Also called: MUSCULAR DYSTROPHY, LIMB-GIRDLE, AUTOSOMAL RECESSIVE 17. Identifiers: Orphanet 254361, MedGen C3150989, MONDO:0013390, OMIM 613723.

Allele frequency attached by ClinVar (database versions not stated): ExAC 0.00004; gnomAD exomes 0.00004 and 0.00006; gnomAD 0.00005; TOPMed 0.00006; 1000 Genomes Project 30x 0.00016; 1000 Genomes Project 0.00020.
gnomAD v4.1: 97 of 1,613,152 alleles (0.006%); highest among the groups gnomAD compares: Middle Eastern, 0.016%; no homozygotes.

Submissions (3):

PreventionGenetics, part of Exact Sciences
Classification: Likely benign for PLEC-related condition. Last evaluated: 2026-08-26. Review status: criteria provided, single submitter. Criteria: ACMG Guidelines, 2015. Collection method: clinical testing. Allele origin: germline.
Comment: This variant is classified as likely benign based on ACMG/AMP sequence variant interpretation guidelines (Richards et al. 2015 PMID: 25741868, with internal and published modifications).

Labcorp Genetics (formerly Invitae), Labcorp
Classification: Likely benign for Autosomal recessive limb-girdle muscular dystrophy type 2Q; Epidermolysis bullosa simplex, Ogna type; Epidermolysis bullosa simplex with nail dystrophy; Epidermolysis bullosa simplex 5C, with pyloric atresia; Epidermolysis bullosa simplex 5B, with muscular dystrophy. Last evaluated: 2024-11-30. Review status: criteria provided, single submitter. Criteria: Invitae Variant Classification Sherloc (09022015). Collection method: clinical testing. Allele origin: germline.

Blueprint Genetics
Classification: Likely benign. Last evaluated: 2023-12-07. Review status: criteria provided, single submitter. Criteria: ACMG Guidelines, 2015. Collection method: clinical testing. Allele origin: germline.